The following is an entry in ClinVar:

ClinVar aggregate classification (germline): Pathogenic (1 of 4 stars; one submission).

Conditions:
Diamond-Blackfan anemia. Also called: Blackfan Diamond syndrome; Aregenerative anemia chronic congenital; Red cell aplasia, pure hereditary; Congenital hypoplastic anemia; Aase syndrome. Identifiers: Orphanet 124, MedGen C1260899, MeSH D029503, MONDO:0015253, HP:0004810.
GATA binding protein 1 related thrombocytopenia with dyserythropoiesis. Also called: GATA1-Related Cytopenia; GATA1-Related X-Linked Cytopenia. Identifiers: MedGen C1845837, MONDO:0100089.

Submission:

Labcorp Genetics (formerly Invitae), Labcorp
Classification: Pathogenic for GATA binding protein 1 related thrombocytopenia with dyserythropoiesis; Diamond-Blackfan anemia. Last evaluated: 2023-10-14. Review status: criteria provided, single submitter. Criteria: Invitae Variant Classification Sherloc (09022015). Collection method: clinical testing. Allele origin: germline.
Comment: This sequence change affects the initiator methionine of the GATA1 mRNA. The next in-frame methionine is located at codon 1. This variant is not present in population databases (gnomAD no frequency). This variant has not been reported in the literature in individuals affected with GATA1-related conditions. This variant disrupts a region of the GATA1 protein in which other variant(s) (p.Met1?) have been determined to be pathogenic (PMID: 24453067, 24952648, 29146883, 35328001; Invitae). This suggests that this is a clinically significant region of the protein, and that variants that disrupt it are likely to be disease-causing. For these reasons, this variant has been classified as Pathogenic.

Literature cited by the submitters: PubMed 24453067; PubMed 24952648; PubMed 29146883; PubMed 35328001.

NM_002049.4(GATA1):c.-4_21del (p.Met1fs)

Gene: GATA1 (GATA binding protein 1; plus strand). Cytogenetic location: Xp11.23.
Variant type: Deletion.
Coding change: c.-4_21del on transcript NM_002049.4 (MANE Select); 4 bases upstream of the start codon through coding-DNA position 21, 25 bases deleted (CTCCATGGAGTTCCCTGGCCTGGGG).
Protein change: p.Met1fs; shifts the reading frame from methionine 1.
Molecular consequence: frameshift variant, initiator codon variant.
Genome position (GRCh38, 1-based): chrX:48,791,106-48,791,130, CTCCATGGAGTTCCCTGGCCTGGGG deleted; deleting any 25 consecutive bases within chrX:48,791,104-48,791,130 gives the same sequence; the c. name uses the placement nearest the transcript's 3' end. VCF-style (leftmost placement, unchanged base first): chrX-48791103-AGGCTCCATGGAGTTCCCTGGCCTGG-A. GRCh37 (hg19) VCF-style: chrX-48649510-AGGCTCCATGGAGTTCCCTGGCCTGG-A.
Other names: short protein forms M1fs.
Identifiers: ClinVar variation 2952845 (VCV002952845.3), dbSNP rs2519343566, ClinGen allele CA2740092142.
Genomic context (GRCh38, chrX:48,791,103, plus strand): 5'-GTGGGGGGGAAGGATTTCTGTGTCTGAGGACCCCTTCTGTCCTCGCAGGTTAATCCCCAG[AGGCTCCATGGAGTTCCCTGGCCTGG>A]GGTCCCTGGGGACCTCAGAGCCCCTCCCCCAGTTTGTGGATCCTGCTCTGGTGTCCTCCA-3'